The following is an entry in ClinVar:

ClinVar aggregate classification (germline): Uncertain significance. Review status: criteria provided, multiple submitters, no conflicts (2 of 4 stars). 2 submissions from 2 submitters: Uncertain significance (2). Last evaluated 2024-04-14.

Conditions:
Mitochondrial trifunctional protein deficiency. Identifiers: Orphanet 746, MedGen C1969443, MONDO:0012172.

Allele frequency attached by ClinVar (database versions not stated): gnomAD 0.00002; gnomAD exomes 0.00003; TOPMed 0.00007; ExAC 0.00008.
gnomAD v4.1: 41 of 1,540,042 alleles (0.0027%); highest among the groups gnomAD compares: Admixed American, 0.068%; no homozygotes.

Submissions (2):

Women's Health and Genetics/Laboratory Corporation of America, LabCorp
Classification: Uncertain significance. Last evaluated: 2024-04-14. Review status: criteria provided, single submitter. Criteria: LabCorp Variant Classification Summary - May 2015. Collection method: clinical testing. Allele origin: germline.

Labcorp Genetics (formerly Invitae), Labcorp
Classification: Uncertain significance for Mitochondrial trifunctional protein deficiency. Last evaluated: 2022-10-13. Review status: criteria provided, single submitter. Criteria: Invitae Variant Classification Sherloc (09022015). Collection method: clinical testing. Allele origin: germline.
Comment: This sequence change falls in intron 3 of the HADHB gene. It does not directly change the encoded amino acid sequence of the HADHB protein. It affects a nucleotide within the consensus splice site. This variant is present in population databases (rs774648719, gnomAD 0.09%). This variant has not been reported in the literature in individuals affected with HADHB-related conditions. Variants that disrupt the consensus splice site are a relatively common cause of aberrant splicing (PMID: 17576681, 9536098). Algorithms developed to predict the effect of sequence changes on RNA splicing suggest that this variant is not likely to affect RNA splicing. In summary, the available evidence is currently insufficient to determine the role of this variant in disease. Therefore, it has been classified as a Variant of Uncertain Significance.

Literature cited by the submitters: PubMed 17576681 (cited by Labcorp Genetics (formerly Invitae), Labcorp); PubMed 9536098 (cited by Labcorp Genetics (formerly Invitae), Labcorp).

NM_000183.3(HADHB):c.109+5A>G

Gene: HADHB (hydroxyacyl-CoA dehydrogenase trifunctional multienzyme complex subunit beta; plus strand). Cytogenetic location: 2p23.3.
Variant type: single nucleotide variant.
Coding change: c.109+5A>G on transcript NM_000183.3 (MANE Select); 5 bases into the intron after coding-DNA position 109, A replaced by G.
Molecular consequence: intron variant.
Genome position (GRCh38, 1-based): chr2:26,254,479, A>G. VCF-style: chr2-26254479-A-G. GRCh37 (hg19) VCF-style: chr2-26477347-A-G.
Other names: c.-41+5A>G (NM_001281513.2); c.109+5A>G (NM_001281512.2).
Identifiers: ClinVar variation 2179048 (VCV002179048.2), dbSNP rs774648719, ClinGen allele CA1560089.